The following is an entry in ClinVar:

NM_031475.3(ESPN):c.1772C>T (p.Ala591Val)

Gene: ESPN (espin; plus strand). Cytogenetic location: 1p36.31.
Variant type: single nucleotide variant.
Coding change: c.1772C>T on transcript NM_031475.3 (MANE Select); coding-DNA position 1772, C replaced by T.
Protein change: p.Ala591Val; replaces alanine 591 with valine.
Molecular consequence: missense variant.
Genome position (GRCh38, 1-based): chr1:6,448,948, C>T. VCF-style: chr1-6448948-C-T. GRCh37 (hg19) VCF-style: chr1-6509008-C-T.
Other names: c.1772C>T (NM_031475.2); c.1682C>T, p.Ala561Val (NM_001367473.1, NM_001367474.1); short protein forms A591V, A561V.
Identifiers: ClinVar variation 1389279 (VCV001389279.8), dbSNP rs998368619, ClinGen allele CA17211864.
Genomic context (GRCh38, chr1:6,448,948, plus strand): 5'-CGCAGGCGGCGCTGCTTCCTGGGAACCATGTTCCTAACGGCTGCGCCGCGGACCCCAAGG[C>T]GTCCAGGGAGCTGCCACCGCCGCCCCCACCGCCGCCGCCGCCCCTGCCGGAGGCCGCGAG-3'
Protein context (NP_113663.2, residues 581-601): VPNGCAADPK[Ala591Val]SRELPPPPPP

ClinVar aggregate classification (germline): Uncertain significance. Review status: criteria provided, multiple submitters, no conflicts (2 of 4 stars). 3 submissions from 3 submitters: Uncertain significance (3). Last evaluated 2026-02-13.

Allele frequency attached by ClinVar (database versions not stated): 1000 Genomes Project 30x 0.00016; gnomAD 0.00005 and 0.00004; TOPMed 0.00005; gnomAD exomes 0.00001.
gnomAD v4.1: 45 of 1,411,180 alleles (0.0032%); highest among the groups gnomAD compares: African/African-American, 0.026%; no homozygotes.

Submissions (3):

GeneDx
Classification: Uncertain significance. Last evaluated: 2026-02-13. Review status: criteria provided, single submitter. Criteria: GeneDx Variant Classification Process June 2021. Collection method: clinical testing. Allele origin: germline.
Comment: In silico analysis suggests that this missense variant does not alter protein structure/function; Has not been previously published as pathogenic or benign to our knowledge

Blueprint Genetics
Classification: Uncertain significance. Last evaluated: 2024-06-24. Review status: criteria provided, single submitter. Criteria: ACMG Guidelines, 2015. Collection method: clinical testing. Allele origin: germline.

Labcorp Genetics (formerly Invitae), Labcorp
Classification: Uncertain significance. Last evaluated: 2022-07-05. Review status: criteria provided, single submitter. Criteria: Invitae Variant Classification Sherloc (09022015). Collection method: clinical testing. Allele origin: germline.
Comment: This sequence change replaces alanine, which is neutral and non-polar, with valine, which is neutral and non-polar, at codon 591 of the ESPN protein (p.Ala591Val). In summary, the available evidence is currently insufficient to determine the role of this variant in disease. Therefore, it has been classified as a Variant of Uncertain Significance. Algorithms developed to predict the effect of sequence changes on RNA splicing suggest that this variant may create or strengthen a splice site. Algorithms developed to predict the effect of missense changes on protein structure and function output the following: SIFT: "Tolerated"; PolyPhen-2: "Benign"; Align-GVGD: "Class C0". The valine amino acid residue is found in multiple mammalian species, which suggests that this missense change does not adversely affect protein function. ClinVar contains an entry for this variant (Variation ID: 1389279). This variant has not been reported in the literature in individuals affected with ESPN-related conditions. The frequency data for this variant in the population databases is considered unreliable, as metrics indicate poor data quality at this position in the gnomAD database.